The following is an entry in ClinVar:

NM_000384.3(APOB):c.1302G>T (p.Arg434Ser)

Gene: APOB (apolipoprotein B; minus strand). Cytogenetic location: 2p24.1.
Variant type: single nucleotide variant.
Coding change: c.1302G>T on transcript NM_000384.3 (MANE Select); coding-DNA position 1302, G replaced by T.
Protein change: p.Arg434Ser; replaces arginine 434 with serine.
Molecular consequence: missense variant.
Genome position (GRCh38, 1-based): chr2:21,032,404, C>A on the plus strand (G>T on the coding strand, the complement: APOB is on the minus strand). VCF-style: chr2-21032404-C-A. GRCh37 (hg19) VCF-style: chr2-21255276-C-A.
Other names: short protein forms R434S.
Identifiers: ClinVar variation 927054 (VCV000927054.7), dbSNP rs1484695395, ClinGen allele CA345957583.

ClinVar aggregate classification (germline): Conflicting classifications of pathogenicity. Review status: criteria provided, conflicting classifications (1 of 4 stars). 2 submissions from 2 submitters: Uncertain significance (1); Likely benign (1). Last evaluated 2025-12-26.

Conditions:
Familial hypobetalipoproteinemia 1. Also called: Hypobetalipoproteinemia, normotriglyceridemic; Acanthocytosis with hypobetalipoproteinemia; APOB-Related Familial Hypobetalipoproteinemia. Identifiers: MedGen C4551990, MONDO:0014252, OMIM 615558.
Hypercholesterolemia, autosomal dominant, type B (FHCL2). Also called: Familial Hypercholesterolemia Type B; HYPERCHOLESTEROLEMIA, FAMILIAL, DUE TO LIGAND-DEFECTIVE APOLIPOPROTEIN B; Familial hypercholesterolemia 2; APOB-Related Familial Hypercholesterolemia, Autosomal Dominant; APOLIPOPROTEIN B-100, FAMILIAL DEFECTIVE; APOLIPOPROTEIN B-100, FAMILIAL LIGAND-DEFECTIVE. Identifiers: MedGen C1704417, MONDO:0007751, OMIM 144010.

Allele frequency attached by ClinVar (database versions not stated): gnomAD 0.00001; TOPMed 0.00001.
gnomAD v4.1: 8 of 1,613,918 alleles (0.0005%); highest among the groups gnomAD compares: Middle Eastern, 0.016%; no homozygotes.

Submissions (2):

Labcorp Genetics (formerly Invitae), Labcorp
Classification: Likely benign for Familial hypobetalipoproteinemia 1; Hypercholesterolemia, autosomal dominant, type B. Last evaluated: 2025-12-26. Review status: criteria provided, single submitter. Criteria: Invitae Variant Classification Sherloc (09022015). Collection method: clinical testing. Allele origin: germline.

GeneDx
Classification: Uncertain significance. Last evaluated: 2021-05-24. Review status: criteria provided, single submitter. Criteria: GeneDx Variant Classification Process June 2021. Collection method: clinical testing. Allele origin: germline. Affected: yes.
Comment: Has not been previously published as pathogenic or benign to our knowledge; Not observed at significant frequency in large population cohorts (Lek et al., 2016); In silico analysis supports that this missense variant does not alter protein structure/function; Reported in ClinVar but additional evidence is not available (ClinVar Variant ID#927054; Landrum et al., 2016)